The following is an entry in ClinVar:

ClinVar aggregate classification (germline): Uncertain significance (1 of 4 stars; one submission).

Allele frequency attached by ClinVar (database versions not stated): gnomAD exomes below 0.00001.
gnomAD v4.1: 1 of 1,612,838 alleles (0.000062%); highest among the groups gnomAD compares: Non-Finnish European, 0.000085%; no homozygotes.

Submission:

Labcorp Genetics (formerly Invitae), Labcorp
Classification: Uncertain significance. Last evaluated: 2022-12-02. Review status: criteria provided, single submitter. Criteria: Invitae Variant Classification Sherloc (09022015). Collection method: clinical testing. Allele origin: germline.
Comment: In summary, the available evidence is currently insufficient to determine the role of this variant in disease. Therefore, it has been classified as a Variant of Uncertain Significance. Variants that disrupt the consensus splice site are a relatively common cause of aberrant splicing (PMID: 17576681, 9536098). Algorithms developed to predict the effect of sequence changes on RNA splicing suggest that this variant may disrupt the consensus splice site. This variant has not been reported in the literature in individuals affected with LZTR1-related conditions. This variant is not present in population databases (gnomAD no frequency). This sequence change falls in intron 2 of the LZTR1 gene. It does not directly change the encoded amino acid sequence of the LZTR1 protein. It affects a nucleotide within the consensus splice site.

Literature cited by the submitters: PubMed 17576681; PubMed 9536098.

NM_006767.4(LZTR1):c.263+4A>T

Gene: LZTR1 (leucine zipper like post translational regulator 1; plus strand). Cytogenetic location: 22q11.21.
Variant type: single nucleotide variant.
Coding change: c.263+4A>T on transcript NM_006767.4 (MANE Select); 4 bases into the intron after coding-DNA position 263, A replaced by T.
Molecular consequence: intron variant.
Genome position (GRCh38, 1-based): chr22:20,983,093, A>T. VCF-style: chr22-20983093-A-T. GRCh37 (hg19) VCF-style: chr22-21337382-A-T.
Identifiers: ClinVar variation 2817831 (VCV002817831.3), dbSNP rs2518608692, ClinGen allele CA2655462621.